The following is an entry in ClinVar:

NM_000051.4(ATM):c.4381T>C (p.Trp1461Arg)

Gene: ATM (ATM serine/threonine kinase; plus strand). Cytogenetic location: 11q22.3.
Variant type: single nucleotide variant.
Coding change: c.4381T>C on transcript NM_000051.4 (MANE Select); coding-DNA position 4381, T replaced by C.
Protein change: p.Trp1461Arg; replaces tryptophan 1461 with arginine.
Molecular consequence: missense variant.
Genome position (GRCh38, 1-based): chr11:108,289,746, T>C. VCF-style: chr11-108289746-T-C. GRCh37 (hg19) VCF-style: chr11-108160473-T-C.
Other names: c.4381T>C, p.Trp1461Arg (NM_001351834.2); short protein forms W1461R.
Identifiers: ClinVar variation 3798109 (VCV003798109.1).

ClinVar aggregate classification (germline): Uncertain significance (1 of 4 stars; one submission).

Conditions:
Hereditary cancer-predisposing syndrome. Also called: Neoplastic Syndromes, Hereditary; Hereditary Cancer Syndrome; Tumor predisposition; Hereditary neoplastic syndrome. Identifiers: Orphanet 140162, MedGen C0027672, MeSH D009386, MONDO:0015356.

gnomAD v4.1: 1 of 1,613,772 alleles (0.000062%); highest among the groups gnomAD compares: Admixed American, 0.0017%; no homozygotes.

Submission:

Ambry Genetics
Classification: Uncertain significance for Hereditary cancer-predisposing syndrome. Last evaluated: 2024-12-22. Review status: criteria provided, single submitter. Criteria: Ambry Variant Classification Scheme 2023. Collection method: clinical testing. Allele origin: germline.
Comment: The p.W1461R variant (also known as c.4381T>C), located in coding exon 28 of the ATM gene, results from a T to C substitution at nucleotide position 4381. The tryptophan at codon 1461 is replaced by arginine, an amino acid with dissimilar properties. This amino acid position is conserved. In addition, this alteration is predicted to be deleterious by in silico analysis. Based on the available evidence, the clinical significance of this variant remains unclear.